The following is an entry in ClinVar:

ClinVar aggregate classification (germline): Conflicting classifications of pathogenicity. Review status: criteria provided, conflicting classifications (1 of 4 stars). 19 submissions from 19 submitters: Uncertain significance (15); Likely benign (3). 1 of the submissions does not count toward it. Last evaluated 2026-01-22.

Conditions:
Lynch syndrome 5 (LYNCH5). Also called: Hereditary non-polyposis colorectal cancer, type 5; Colorectal cancer, hereditary nonpolyposis, type 5. Identifiers: Orphanet 144, MedGen C1833477, MONDO:0013710, OMIM 614350. Disease mechanism: loss of function.
Endometrial carcinoma. Also called: Endometrial carcinoma, somatic. Identifiers: MedGen C0476089, MONDO:0002447, OMIM 608089, HP:0012114.
Mismatch repair cancer syndrome 3. Identifiers: MedGen C5436807, MONDO:0030841, OMIM 619097.
Hereditary nonpolyposis colorectal neoplasms. Identifiers: MedGen C0009405, MeSH D003123.
Hereditary cancer-predisposing syndrome. Also called: Tumor predisposition; Hereditary Cancer Syndrome; Hereditary neoplastic syndrome; Neoplastic Syndromes, Hereditary. Identifiers: Orphanet 140162, MedGen C0027672, MeSH D009386, MONDO:0015356.
Lynch syndrome. Identifiers: Orphanet 144, MedGen C4552100, MONDO:0005835. Disease mechanism: loss of function.
Hereditary breast ovarian cancer syndrome. Also called: Hereditary breast and ovarian cancer syndrome (HBOC); BRCA1- and BRCA2-Associated Hereditary Breast and Ovarian Cancer; Hereditary breast and/or ovarian cancer syndrome; Breast and ovarian cancer; Hereditary breast and ovarian cancer syndrome; Hereditary breast and ovarian cancer. Identifiers: Orphanet 145, MedGen C0677776, MeSH D061325, MONDO:0003582. Disease mechanism: loss of function.

Allele frequency attached by ClinVar (database versions not stated): gnomAD 0.00001 and 0.00002; TOPMed 0.00001; gnomAD exomes 0.00002; ExAC 0.00003; 1000 Genomes Project 30x 0.00016; 1000 Genomes Project 0.00020.
gnomAD v4.1: 32 of 1,614,170 alleles (0.002%); highest among the groups gnomAD compares: East Asian, 0.031%; no homozygotes.

Submissions 1 to 11 of 19:

Labcorp Genetics (formerly Invitae), Labcorp
Classification: Likely benign for Hereditary nonpolyposis colorectal neoplasms. Last evaluated: 2026-01-22. Review status: criteria provided, single submitter. Criteria: Invitae Variant Classification Sherloc (09022015). Collection method: clinical testing. Allele origin: germline.

Ambry Genetics
Classification: Uncertain significance for Hereditary cancer-predisposing syndrome. Last evaluated: 2026-01-09. Review status: criteria provided, single submitter. Criteria: Ambry Variant Classification Scheme 2023. Collection method: clinical testing. Allele origin: germline.

St. Jude Molecular Pathology, St. Jude Children's Research Hospital
Classification: Uncertain significance for Lynch syndrome 5. Last evaluated: 2025-06-17. Review status: criteria provided, single submitter. Criteria: St. Jude Assertion Criteria 2020. Collection method: clinical testing. Allele origin: germline.
Comment: The MSH6 c.1190A>G p.(Tyr397Cys) missense change has a maximum subpopulation frequency of 0.007% in gnomAD v2.1.1. In silico tools predict a benign effect of this variant on protein function, but to our knowledge this prediction has not been confirmed by functional studies. To our knowledge, this variant has not been reported in individuals with Lynch syndrome or constitutional mismatch repair deficiency. In summary, the evidence currently available is insufficient to determine the clinical significance of this variant. It has therefore been classified as of uncertain significance.

Women's Health and Genetics/Laboratory Corporation of America, LabCorp
Classification: Likely benign. Last evaluated: 2025-05-27. Review status: criteria provided, single submitter. Criteria: LabCorp Variant Classification Summary - May 2015. Collection method: clinical testing. Allele origin: germline.
Comment: Variant summary: MSH6 c.1190A>G (p.Tyr397Cys) results in a non-conservative amino acid change in the encoded protein sequence. Algorithms developed to predict the effect of missense changes on protein structure and function all suggest that this variant is likely to be disruptive. The observed variant frequency within East Asian control individuals in the gnomAD database is approximately 2.18 fold of the estimated maximal expected allele frequency for a pathogenic variant in MSH6 causing Hereditary Nonpolyposis Colorectal Cancer phenotype (0.00014). c.1190A>G has been reported in the literature in individuals affected with Hereditary Nonpolyposis Colorectal Cancer, intrahepatic bile duct cancer, pancreatic cancer and breast cancer (e.g. Chubb_2015, Terui_2013, Terashima_2019, Yin_2022, Hu_2022). It has also been reported in five breast cancer cases by a large study in the Breast Cancer Association Consortium (Dorling_2021) but was absent in the cohort of Biliary tract cancer by another large case-control study in Japan (Okawa_2023).These report(s) do not provide unequivocal conclusions about association of the variant with Hereditary Nonpolyposis Colorectal Cancer. To our knowledge, no experimental evidence demonstrating an impact on protein function has been reported. The following publications have been ascertained in the context of this evaluation (PMID: 34371384, 25559809, 35449176, 36243179, 31666926, 23621914, 24100870, 24362816, 35171259, 33471991). ClinVar contains an entry for this variant (Variation ID: 182620). Based on the evidence outlined above, the variant was classified as likely benign.

Myriad Genetics, Inc.
Classification: Likely benign for Lynch syndrome 5. Last evaluated: 2024-12-23. Review status: criteria provided, single submitter. Criteria: Myriad Autosomal Dominant, Autosomal Recessive and X-Linked Classification Criteria (2023). Collection method: clinical testing. Allele origin: unknown.
Comment: This variant is considered likely benign. This variant is strongly associated with less severe personal and family histories of cancer, typical for individuals without pathogenic variants in this gene [PMID: 27363726].

GeneDx
Classification: Uncertain significance. Last evaluated: 2024-11-22. Review status: criteria provided, single submitter. Criteria: GeneDx Variant Classification Process June 2021. Collection method: clinical testing. Allele origin: germline. Affected: yes.
Comment: In silico analysis supports that this missense variant has a deleterious effect on protein structure/function; Observed in individuals with colorectal cancer, with one of these colon tumors exhibiting microsatellite instability (MSI) and loss of MLH1 and PMS2 proteins, and also observed in individuals with biliary, breast, or pancreatic cancer (PMID: 24100870, 31666926, 33471991, 25559809, 34371384, 35449176, 35171259); This variant is associated with the following publications: (PMID: 10675480, 24100870, 25559809, 23621914, 33471991, 31666926, 25085752, 24362816, 35449176, 36243179, 34371384, 35171259, 17531815, 21120944, 38843470)

Quest Diagnostics Nichols Institute San Juan Capistrano
Classification: Uncertain significance. Last evaluated: 2024-09-25. Review status: criteria provided, single submitter. Criteria: Quest Diagnostics criteria. Collection method: clinical testing. Allele origin: unknown.
Comment: The MSH6 c.1190A>G (p.Tyr397Cys) variant has been reported in the published literature in individuals with Lynch syndrome related cancers such as colorectal cancer (PMIDs: 25559809 (2015) and 24100870 (2013)) and pancreatic cancer (PMID: 35171259 (2022)). In addition, this variant has been observed in individuals with biliary tract cancer (PMID: 31666926 (2019)), breast and/or ovarian cancer (PMIDs: 35449176 (2022), 34371384 (2021), 33471991 (2021), see also LOVD, as well as in reportedly healthy individuals (PMID: 36243179 (2022)). The frequency of this variant in the general population, 0.000026 (3/113532 chromosomes (Genome Aggregation Database)), is uninformative in the assessment of its pathogenicity. Analysis of this variant using bioinformatics tools for the prediction of the effect of amino acid changes on protein structure and function yielded conflicting predictions that this variant is benign or damaging. Based on the available information, we are unable to determine the clinical significance of this variant.

Blueprint Genetics
Classification: Uncertain significance. Last evaluated: 2024-08-20. Review status: criteria provided, single submitter. Criteria: ACMG Guidelines, 2015. Collection method: clinical testing. Allele origin: germline.

Fulgent Genetics
Classification: Uncertain significance for Endometrial carcinoma; Lynch syndrome 5; Mismatch repair cancer syndrome 3. Last evaluated: 2024-01-08. Review status: criteria provided, single submitter. Criteria: ACMG Guidelines, 2015. Collection method: clinical testing. Allele origin: germline.

Baylor Genetics
Classification: Uncertain significance for Endometrial carcinoma. Last evaluated: 2023-12-05. Review status: criteria provided, single submitter. Criteria: ACMG Guidelines, 2015. Collection method: clinical testing. Allele origin: unknown.

All of Us Research Program, National Institutes of Health
Classification: Uncertain significance for Lynch syndrome. Last evaluated: 2023-12-01. Review status: criteria provided, single submitter. Criteria: ACMG Guidelines, 2015. Collection method: clinical testing. Allele origin: germline. Inheritance: Autosomal dominant inheritance. Observed: 5 variant alleles, 5 heterozygotes.
Comment: This missense variant replaces tyrosine with cysteine at codon 397 of the MSH6 protein. Computational prediction suggests that this variant may have deleterious impact on protein structure and function (internally defined REVEL score threshold >= 0.7, PMID: 27666373). To our knowledge, functional studies have not been reported for this variant. This variant has been reported in individuals affected with colorectal cancer, with a tumor sample from one case showing microsatellite instability and loss of MLH1 and PMS2 proteins by immunohistochemistry (PMID: 24100870, 25559809), as well as in individuals affected with biliary tract, breast, ovarian, and pancreatic cancers (PMID: 27153395, 31666926, 32980694, 33471991, 34371384). The variant was also observed in healthy controls in a large pancreatic case-control study (PMID: 32980694). This variant has been identified in 6/251150 chromosomes in the general population by the Genome Aggregation Database (gnomAD). The available evidence is insufficient to determine the role of this variant in disease conclusively. Therefore, this variant is classified as a Variant of Uncertain Significance.

This study involves interpretation of variants in research participants for the purpose of population health screening. Participant phenotype was not available at the time of variant classification. Additional details can be found in publication PMID: 35346344, PMCID: PMC8962531

NM_000179.3(MSH6):c.1190A>G (p.Tyr397Cys)

Gene: MSH6 (mutS homolog 6; plus strand). Cytogenetic location: 2p16.3.
Variant type: single nucleotide variant.
Coding change: c.1190A>G on transcript NM_000179.3 (MANE Select); coding-DNA position 1190, A replaced by G.
Protein change: p.Tyr397Cys; replaces tyrosine 397 with cysteine.
Molecular consequence: missense variant.
Genome position (GRCh38, 1-based): chr2:47,799,173, A>G. VCF-style: chr2-47799173-A-G. GRCh37 (hg19) VCF-style: chr2-48026312-A-G.
Other names: p.Y397C:TAT>TGT; c.800A>G, p.Tyr267Cys (NM_001281492.2); c.284A>G, p.Tyr95Cys (NM_001281493.2, NM_001281494.2); short protein forms Y397C, Y267C, Y95C.
Identifiers: ClinVar variation 182620 (VCV000182620.56), dbSNP rs63750065, ClinGen allele CA008291.